The following is an entry in ClinVar:

ClinVar aggregate classification (germline): Conflicting classifications of pathogenicity. Review status: criteria provided, conflicting classifications (1 of 4 stars). 7 submissions from 7 submitters: Uncertain significance (6); Likely benign (1). Last evaluated 2026-06-30.

Conditions:
Inborn genetic diseases. Identifiers: MedGen C0950123, MeSH D030342.
Intellectual developmental disorder, autosomal recessive 37. Also called: Intellectual disability-hypotonia-spasticity-sleep disorder syndrome. Identifiers: Orphanet 356996, MedGen C3809672, MONDO:0014210, OMIM 615493.

Allele frequency attached by ClinVar (database versions not stated): gnomAD 0.00022 and 0.00023; ESP Exome Variant Server 0.00023; gnomAD exomes 0.00027 and 0.00039; TOPMed 0.00027.
gnomAD v4.1: 599 of 1,612,426 alleles (0.037%); highest among the groups gnomAD compares: Admixed American, 0.052%; 1 homozygote.

Submissions (7):

GeneDx
Classification: Uncertain significance. Last evaluated: 2026-06-30. Review status: criteria provided, single submitter. Criteria: GeneDx Variant Classification Process June 2021. Collection method: clinical testing. Allele origin: germline.
Comment: In silico analysis suggests that this missense variant does not alter protein structure/function; Has not been previously published as pathogenic or benign to our knowledge

Labcorp Genetics (formerly Invitae), Labcorp
Classification: Uncertain significance. Last evaluated: 2026-01-05. Review status: criteria provided, single submitter. Criteria: Invitae Variant Classification Sherloc (09022015). Collection method: clinical testing. Allele origin: germline.
Comment: This sequence change replaces serine, which is neutral and polar, with leucine, which is neutral and non-polar, at codon 2858 of the ANK3 protein (p.Ser2858Leu). This variant is present in population databases (rs78194762, gnomAD 0.07%). This variant has not been reported in the literature in individuals affected with ANK3-related conditions. ClinVar contains an entry for this variant (Variation ID: 210177). Invitae Evidence Modeling of protein sequence and biophysical properties (such as structural, functional, and spatial information, amino acid conservation, physicochemical variation, residue mobility, and thermodynamic stability) indicates that this missense variant is not expected to disrupt ANK3 protein function with a negative predictive value of 80%. In summary, the available evidence is currently insufficient to determine the role of this variant in disease. Therefore, it has been classified as a Variant of Uncertain Significance.

Ambry Genetics
Classification: Likely benign for Inborn genetic diseases. Last evaluated: 2025-04-11. Review status: criteria provided, single submitter. Criteria: Ambry Variant Classification Scheme 2023. Collection method: clinical testing. Allele origin: germline.

CeGaT Center for Human Genetics Tuebingen
Classification: Uncertain significance. Last evaluated: 2022-03-01. Review status: criteria provided, single submitter. Criteria: CeGaT Center For Human Genetics Tuebingen Variant Classification Criteria Version 2. Collection method: clinical testing. Allele origin: germline. Affected: yes. Observed: 1 variant allele.

Baylor Genetics
Classification: Uncertain significance for Intellectual developmental disorder, autosomal recessive 37. Last evaluated: 2021-12-26. Review status: criteria provided, single submitter. Criteria: ACMG Guidelines, 2015. Collection method: clinical testing. Allele origin: unknown.

Revvity Omics, Revvity
Classification: Uncertain significance. Last evaluated: 2020-03-17. Review status: criteria provided, single submitter. Criteria: ACMG Guidelines, 2015. Collection method: clinical testing. Allele origin: germline.

Genetic Services Laboratory, University of Chicago
Classification: Uncertain significance. Last evaluated: 2015-03-12. Review status: criteria provided, single submitter. Criteria: ACMG Guidelines, 2015. Collection method: clinical testing. Allele origin: germline.

NM_020987.5(ANK3):c.8573C>T (p.Ser2858Leu)

Gene: ANK3 (ankyrin 3; minus strand). Cytogenetic location: 10q21.2.
Variant type: single nucleotide variant.
Coding change: c.8573C>T on transcript NM_020987.5 (MANE Select); coding-DNA position 8573, C replaced by T.
Protein change: p.Ser2858Leu; replaces serine 2858 with leucine.
Molecular consequence: missense variant. On other transcripts: intron variant (4).
Genome position (GRCh38, 1-based): chr10:60,072,308, G>A on the plus strand (C>T on the coding strand, the complement: ANK3 is on the minus strand). VCF-style: chr10-60072308-G-A. GRCh37 (hg19) VCF-style: chr10-61832066-G-A.
Other names: c.4388-4299C>T (NM_001204403.2); c.4409-4299C>T (NM_001204404.2); c.4406-4299C>T (NM_001320874.2); c.1808-4299C>T (NM_001149.4); short protein forms S2858L.
Identifiers: ClinVar variation 210177 (VCV000210177.49), dbSNP rs78194762, ClinGen allele CA206785.